The following is an entry in ClinVar:

NM_006009.4(TUBA1A):c.381C>A (p.Asp127Glu)

Gene: TUBA1A (tubulin alpha 1a; minus strand). Cytogenetic location: 12q13.12.
Variant type: single nucleotide variant.
Coding change: c.381C>A on transcript NM_006009.4 (MANE Select); coding-DNA position 381, C replaced by A.
Protein change: p.Asp127Glu; replaces aspartic acid 127 with glutamic acid.
Molecular consequence: missense variant.
Genome position (GRCh38, 1-based): chr12:49,185,985, G>T on the plus strand (C>A on the coding strand, the complement: TUBA1A is on the minus strand). VCF-style: chr12-49185985-G-T. GRCh37 (hg19) VCF-style: chr12-49579768-G-T.
Other names: c.381C>A, p.Asp127Glu (NM_001270399.2); c.276C>A, p.Asp92Glu (NM_001270400.2); short protein forms D127E, D92E.
Identifiers: ClinVar variation 625521 (VCV000625521.2), dbSNP rs1565627390, ClinGen allele CA384642893.
Genomic context (GRCh38, chr12:49,185,985, plus strand): 5'-AGAACCAGTTCCCCCACCAAAGCTGTGGAAAACCAAGAAGCCCTGGAGACCCGTGCACTG[G>T]TCGGCCTATAACAAAAGAGAGGAACAGAGGAAAGGTTAAGTTTTTATTCTTTGTAGTACA-3'
Protein context (NP_006000.2, residues 117-137): LVLDRIRKLA[Asp127Glu]QCTGLQGFLV

ClinVar aggregate classification (germline): Pathogenic (1 of 4 stars; one submission).

Conditions:
Tubulinopathy. Also called: Tubulinopathies. Identifiers: MedGen CN850169, MONDO:0100153.

Submission:

Institute of Human Genetics, FAU Erlangen, Friedrich-Alexander-Universität Erlangen-Nürnberg
Classification: Pathogenic for Tubulinopathies. Last evaluated: 2018-07-01. Review status: criteria provided, single submitter. Criteria: ACMG Guidelines, 2015. Collection method: literature only. Allele origin: de novo. Affected: yes. Observed: 1 variant allele.
Comment: The c.381C>A, p.(Asp127Glu) variant has been reported as a variant of de novo origin. This variant and associated phenotype was previously reported by Sato et al Brain Dev, 2018 PMID: 29907476. HPO-standardized clinical features were: Hypoplasia of the corpus callosum (HP:0002079); Polymicrogyria (HP:0002126); Brainstem dysplasia (HP:0002508); Cerebellar hypoplasia (HP:0001321); Muscular hypotonia (HP:0001252); Generalized tonic-clonic seizures (HP:0002069); Strabismus (HP:0000486)

Literature cited by the submitters: PubMed 30744660; DOI 10.1101/427948.